The following is an entry in ClinVar:

ClinVar aggregate classification (germline): Uncertain significance (1 of 4 stars; one submission).

Submission:

Labcorp Genetics (formerly Invitae), Labcorp
Classification: Uncertain significance. Last evaluated: 2022-08-23. Review status: criteria provided, single submitter. Criteria: Invitae Variant Classification Sherloc (09022015). Collection method: clinical testing. Allele origin: germline.
Comment: This sequence change falls in intron 4 of the ATAD1 gene. It does not directly change the encoded amino acid sequence of the ATAD1 protein. It affects a nucleotide within the consensus splice site. This variant is not present in population databases (gnomAD no frequency). This variant has not been reported in the literature in individuals affected with ATAD1-related conditions. ClinVar contains an entry for this variant (Variation ID: 1362432). Variants that disrupt the consensus splice site are a relatively common cause of aberrant splicing (PMID: 17576681, 9536098). Algorithms developed to predict the effect of sequence changes on RNA splicing suggest that this variant is not likely to affect RNA splicing. In summary, the available evidence is currently insufficient to determine the role of this variant in disease. Therefore, it has been classified as a Variant of Uncertain Significance.

Literature cited by the submitters: PubMed 17576681; PubMed 9536098.

NM_001321967.2(ATAD1):c.382+6G>T

Gene: ATAD1 (ATPase family AAA domain containing 1; minus strand). Cytogenetic location: 10q23.31.
Variant type: single nucleotide variant.
Coding change: c.382+6G>T on transcript NM_001321967.2 (MANE Select); 6 bases into the intron after coding-DNA position 382, G replaced by T.
Molecular consequence: intron variant.
Genome position (GRCh38, 1-based): chr10:87,790,304, C>A on the plus strand (G>T on the coding strand, the complement: ATAD1 is on the minus strand). VCF-style: chr10-87790304-C-A. GRCh37 (hg19) VCF-style: chr10-89550061-C-A.
Other names: c.382+6G>T (NM_001321968.2, NM_032810.4); c.-66+6G>T (NM_001321969.2).
Identifiers: ClinVar variation 1362432 (VCV001362432.5), dbSNP rs199550898, ClinGen allele CA2573145734.